The following is an entry in ClinVar:

NM_005859.5(PURA):c.38del (p.Ala13fs)

Gene: PURA (purine rich element binding protein A; plus strand). Cytogenetic location: 5q31.3.
Variant type: Deletion.
Coding change: c.38del on transcript NM_005859.5 (MANE Select); coding-DNA position 38, one base deleted (C; older notation c.38delC).
Protein change: p.Ala13fs; shifts the reading frame from alanine 13.
Molecular consequence: frameshift variant.
Genome position (GRCh38, 1-based): chr5:140,114,219, C deleted. VCF-style (leftmost placement, unchanged base first): chr5-140114218-GC-G. GRCh37 (hg19) VCF-style: chr5-139493803-GC-G.
Other names: short protein forms A13fs.
Identifiers: ClinVar variation 817671 (VCV000817671.1), dbSNP rs1581036001, ClinGen allele CA915942628.

ClinVar aggregate classification (germline): Pathogenic (1 of 4 stars; one submission).

Submission:

GeneDx
Classification: Pathogenic. Last evaluated: 2018-06-07. Review status: criteria provided, single submitter. Criteria: GeneDx Variant Classification (06012015). Collection method: clinical testing. Allele origin: germline. Affected: yes.
Comment: The c.38delC variant in the PURA gene has not been reported previously as a pathogenic variant nor as a benign variant, to our knowledge. The c.38delC variant causes a frameshift starting with codon Alanine 13, changes this amino acid to a Glycine residue, and creates a premature Stop codon at position 65 of the new reading frame, denoted p.Ala13GlyfsX65. This variant is predicted to cause loss of normal protein function through protein truncation. The c.38delC variant is not observed in large population cohorts (Lek et al., 2016). We interpret c.38delC as a pathogenic variant.